The following is an entry in ClinVar:

ClinVar aggregate classification (germline): Likely pathogenic. Review status: criteria provided, multiple submitters, no conflicts (2 of 4 stars). 4 submissions from 4 submitters: Likely pathogenic (4). Last evaluated 2025-01-28.

Conditions:
Acute infantile liver failure due to synthesis defect of mtDNA-encoded proteins. Also called: LIVER FAILURE, INFANTILE, TRANSIENT; Liver failure acute infantile; TRMU Deficiency. Identifiers: Orphanet 217371, MedGen C3278664, MONDO:0013111, OMIM 613070.
TRMU-related disorder. Also called: TRMU-related condition.
Aminoglycoside-induced deafness. Also called: DEAFNESS, STREPTOMYCIN-INDUCED; MT-RNR1-Related Hearing Loss and Deafness; STREPTOMYCIN OTOTOXICITY. Identifiers: Orphanet 168609, MedGen C1838854, MONDO:0010799, OMIM 580000.

gnomAD v4.1: 1 of 1,610,400 alleles (0.000062%); highest among the groups gnomAD compares: Non-Finnish European, 0.000085%; no homozygotes.

Submissions (4):

Natera, Inc.
Classification: Likely pathogenic for Acute infantile liver failure due to synthesis defect of mtDNA-encoded proteins. Last evaluated: 2025-01-28. Review status: criteria provided, single submitter. Criteria: Natera Variant Classification Schema (03/2026). Collection method: clinical testing. Allele origin: germline.
Comment: The c.355+1G>T variant in TRMU is a canonical splice donor site variant predicted to affect pre-mRNA splicing, which may result in an abnormal transcript and altered protein product. This variant is expected to result in nonsense mediated decay, truncation, or a dysfunctional protein product. This variant is rare in the general population with a frequency below the threshold expected for the associated phenotype(s). Given the available evidence, this variant is classified as Likely Pathogenic.

Labcorp Genetics (formerly Invitae), Labcorp
Classification: Likely pathogenic. Last evaluated: 2024-01-20. Review status: criteria provided, single submitter. Criteria: Invitae Variant Classification Sherloc (09022015). Collection method: clinical testing. Allele origin: germline.
Comment: This sequence change affects a donor splice site in intron 3 of the TRMU gene. It is expected to disrupt RNA splicing. Variants that disrupt the donor or acceptor splice site typically lead to a loss of protein function (PMID: 16199547), and loss-of-function variants in TRMU are known to be pathogenic (PMID: 19732863, 23625533). This variant is not present in population databases (gnomAD no frequency). This variant has not been reported in the literature in individuals affected with TRMU-related conditions. Algorithms developed to predict the effect of sequence changes on RNA splicing suggest that this variant may disrupt the consensus splice site. In summary, the currently available evidence indicates that the variant is pathogenic, but additional data are needed to prove that conclusively. Therefore, this variant has been classified as Likely Pathogenic.

Baylor Genetics
Classification: Likely pathogenic for Aminoglycoside-induced deafness. Last evaluated: 2023-10-10. Review status: criteria provided, single submitter. Criteria: ACMG Guidelines, 2015. Collection method: clinical testing. Allele origin: unknown.

Blueprint Genetics
Classification: Likely pathogenic for TRMU-related disorders. Last evaluated: 2022-07-11. Review status: criteria provided, single submitter. Criteria: ACMG Guidelines, 2015. Collection method: clinical testing. Allele origin: germline. Affected: yes. Observed: 1 variant allele.

Literature cited by the submitters: PubMed 16199547 (cited by Labcorp Genetics (formerly Invitae), Labcorp); PubMed 19732863 (cited by Labcorp Genetics (formerly Invitae), Labcorp); PubMed 23625533 (cited by Labcorp Genetics (formerly Invitae), Labcorp).

NM_018006.5(TRMU):c.355+1G>T

Gene: TRMU (tRNA mitochondrial 2-thiouridylase; plus strand). Cytogenetic location: 22q13.31.
Variant type: single nucleotide variant.
Coding change: c.355+1G>T on transcript NM_018006.5 (MANE Select); the canonical splice donor site of the intron after coding-DNA position 355, G replaced by T.
Molecular consequence: splice donor variant. On other transcripts: intron variant (3).
Genome position (GRCh38, 1-based): chr22:46,343,369, G>T. VCF-style: chr22-46343369-G-T. GRCh37 (hg19) VCF-style: chr22-46739266-G-T.
Other names: c.355+1G>T (NM_018006.4, NM_001282785.2); c.14-3053G>T (NM_001282782.2); c.-6-3053G>T (NM_001282783.2, NM_001282784.2).
Identifiers: ClinVar variation 2679272 (VCV002679272.6), dbSNP rs1407825579, ClinGen allele CA411942569.